The following is an entry in ClinVar:

NM_006031.6(PCNT):c.3165+8G>T

Gene: PCNT (pericentrin; plus strand). Cytogenetic location: 21q22.3.
Variant type: single nucleotide variant.
Coding change: c.3165+8G>T on transcript NM_006031.6 (MANE Select); 8 bases into the intron after coding-DNA position 3165, G replaced by T.
Molecular consequence: intron variant.
Genome position (GRCh38, 1-based): chr21:46,367,147, G>T. VCF-style: chr21-46367147-G-T. GRCh37 (hg19) VCF-style: chr21-47787062-G-T.
Other names: c.2811+8G>T (NM_001315529.2); c.3165+8G>T (NM_006031.5).
Identifiers: ClinVar variation 2171972 (VCV002171972.7), dbSNP rs764267935, ClinGen allele CA10079190.
Genomic context (GRCh38, chr21:46,367,147, plus strand): 5'-TGAGCACAGAGCTCGCCGGAACCGTGGCTCACGAGCTGCAGGGAGTGCACCAGGTAAGGC[G>T]CCAGGGCCCTGCCCCAGCCCAGGGCAGGCCTCTCCTCGCTGCCTGTGTGTTTCCACCGCG-3'

ClinVar aggregate classification (germline): Likely benign. Review status: criteria provided, multiple submitters, no conflicts (2 of 4 stars). 3 submissions from 3 submitters: Likely benign (2). 1 of the submissions does not count toward it. Last evaluated 2025-09-18.

Conditions:
PCNT-related disorder. Also called: PCNT-related condition.

Allele frequency attached by ClinVar (database versions not stated): TOPMed 0.00003.
gnomAD v4.1: 8 of 1,610,082 alleles (0.0005%); highest among the groups gnomAD compares: Admixed American, 0.01%; no homozygotes.

Submissions (3):

Labcorp Genetics (formerly Invitae), Labcorp
Classification: Likely benign. Last evaluated: 2025-09-18. Review status: criteria provided, single submitter. Criteria: Invitae Variant Classification Sherloc (09022015). Collection method: clinical testing. Allele origin: germline.

Blueprint Genetics
Classification: Likely benign. Last evaluated: 2020-11-04. Review status: criteria provided, single submitter. Criteria: ACMG Guidelines, 2015. Collection method: clinical testing. Allele origin: germline.

PreventionGenetics, part of Exact Sciences
Classification: Likely benign for PCNT-related condition. Last evaluated: 2023-02-01. Review status: no assertion criteria provided. Collection method: clinical testing. Allele origin: germline. Not counted in ClinVar's aggregate classification.
Comment: This variant is classified as likely benign based on ACMG/AMP sequence variant interpretation guidelines (Richards et al. 2015 PMID: 25741868, with internal and published modifications).